The following is an entry in ClinVar:

NM_138715.3(MSR1):c.-5+6386C>A

Gene: MSR1 (macrophage scavenger receptor 1; minus strand). Cytogenetic location: 8p22.
Variant type: single nucleotide variant.
Coding change: c.-5+6386C>A on transcript NM_138715.3 (MANE Select); 6386 bases into the intron after 5 bases upstream of the start codon, C replaced by A.
Molecular consequence: intron variant. On other transcripts: 5 prime UTR variant (1).
Genome position (GRCh38, 1-based): chr8:16,186,212, G>T on the plus strand (C>A on the coding strand, the complement: MSR1 is on the minus strand). VCF-style: chr8-16186212-G-T. GRCh37 (hg19) VCF-style: chr8-16043721-G-T.
Other names: c.-4C>A (NM_001363744.1); c.-5+6386C>A (NM_138716.3, NM_002445.4).
Identifiers: ClinVar variation 3049725 (VCV003049725.2), dbSNP rs377211096, ClinGen allele CA4641512.
Genomic context (GRCh38, chr8:16,186,212, plus strand): 5'-TGCTCACGGTTTTTTGTTGAGAAGAGAGATACTGATGATTGCACTGAGATAGCACATCCA[G>T]GGGAGTTTTATTTATTTCTGGGTATTCCTCCTCATCTCCCCAACGTCTCAACAGCAGAGT-3'

ClinVar aggregate classification (germline): Likely benign (0 of 4 stars; one submission).

Conditions:
MSR1-related disorder. Also called: MSR1-related condition.

Allele frequency attached by ClinVar (database versions not stated): 1000 Genomes Project 30x 0.00016; 1000 Genomes Project 0.00020; ExAC 0.00024.
gnomAD v4.1: 299 of 1,535,110 alleles (0.019%); highest among the groups gnomAD compares: East Asian, 0.69%; 2 homozygotes.

Submission:

PreventionGenetics, part of Exact Sciences
Classification: Likely benign for MSR1-related condition. Last evaluated: 2019-10-28. Review status: no assertion criteria provided. Collection method: clinical testing. Allele origin: germline.
Comment: This variant is classified as likely benign based on ACMG/AMP sequence variant interpretation guidelines (Richards et al. 2015 PMID: 25741868, with internal and published modifications).